The following is an entry in ClinVar:

ClinVar aggregate classification (germline): Benign/Likely benign. Review status: criteria provided, multiple submitters, no conflicts (2 of 4 stars). 6 submissions from 6 submitters: Benign (5); Likely benign (1). Last evaluated 2026-01-22.

Conditions:
Fraser syndrome 1 (FRASRS1). Also called: CRYPTOPHTHALMOS WITH OTHER MALFORMATIONS. Identifiers: Orphanet 2052, MedGen C4551480, MONDO:0054737, OMIM 219000.

Allele frequency attached by ClinVar (database versions not stated): gnomAD exomes 0.00031 and 0.00085; ExAC 0.00103; ESP Exome Variant Server 0.00210; gnomAD 0.00350 and 0.00365; TOPMed 0.00378; 1000 Genomes Project 0.00459; 1000 Genomes Project 30x 0.00531.
gnomAD v4.1: 1,008 of 1,613,540 alleles (0.062%); highest among the groups gnomAD compares: African/African-American, 1.2%; 7 homozygotes.

Submissions (6):

Labcorp Genetics (formerly Invitae), Labcorp
Classification: Benign. Last evaluated: 2026-01-22. Review status: criteria provided, single submitter. Criteria: Invitae Variant Classification Sherloc (09022015). Collection method: clinical testing. Allele origin: germline.

Fulgent Genetics
Classification: Likely benign for Fraser syndrome 1. Last evaluated: 2022-04-01. Review status: criteria provided, single submitter. Criteria: ACMG Guidelines, 2015. Collection method: clinical testing. Allele origin: unknown.

Women's Health and Genetics/Laboratory Corporation of America, LabCorp
Classification: Benign. Last evaluated: 2022-03-21. Review status: criteria provided, single submitter. Criteria: LabCorp Variant Classification Summary - May 2015. Collection method: clinical testing. Allele origin: germline.
Comment: Variant summary: FRAS1 c.10160T>C (p.Leu3387Pro) results in a non-conservative amino acid change in the encoded protein sequence. Three of five in-silico tools predict a benign effect of the variant on protein function. The variant allele was found at a frequency of 0.00085 in 248332 control chromosomes, predominantly at a frequency of 0.012 within the African or African-American subpopulation in the gnomAD database, including 1 homozygotes. The observed variant frequency within African or African-American control individuals in the gnomAD database is approximately 6.79 fold of the estimated maximal expected allele frequency for a pathogenic variant in FRAS1 causing Cryptophthalmos Syndrome phenotype (0.0018), strongly suggesting that the variant is a benign polymorphism found primarily in populations of African or African-American origin. Three clinical diagnostic laboratories have submitted clinical-significance assessments for this variant to ClinVar after 2014 without evidence for independent evaluation. All laboratories classified the variant as benign. Based on the evidence outlined above, the variant was classified as benign.

GeneDx
Classification: Benign. Last evaluated: 2021-02-12. Review status: criteria provided, single submitter. Criteria: GeneDx Variant Classification Process June 2021. Collection method: clinical testing. Allele origin: germline. Affected: yes.
Comment: This variant is associated with the following publications: (PMID: 18671281)

Illumina Laboratory Services, Illumina
Classification: Benign for Fraser syndrome 1. Last evaluated: 2017-04-28. Review status: criteria provided, single submitter. Criteria: ICSL Variant Classification Criteria 13 December 2019. Collection method: clinical testing. Allele origin: germline.
Comment: This variant was observed as part of a predisposition screen in an ostensibly healthy population. A literature search was performed for the gene, cDNA change, and amino acid change (where applicable). Publications were found based on this search. The evidence from the literature, in combination with allele frequency data from public databases where available, was sufficient to rule this variant out of causing disease. Therefore, this variant is classified as benign.

Breakthrough Genomics
Classification: Benign. Review status: criteria provided, single submitter. Criteria: ACMG Guidelines, 2015. Collection method: not provided. Allele origin: germline. Inheritance: Autosomal recessive inheritance. Affected: yes.

Literature cited by the submitters: PubMed 18671281 (cited by Illumina Laboratory Services, Illumina).

NM_025074.7(FRAS1):c.10160T>C (p.Leu3387Pro)

Gene: FRAS1 (Fraser extracellular matrix complex subunit 1; plus strand). Cytogenetic location: 4q21.21.
Variant type: single nucleotide variant.
Coding change: c.10160T>C on transcript NM_025074.7 (MANE Select); coding-DNA position 10160, T replaced by C.
Protein change: p.Leu3387Pro; replaces leucine 3387 with proline.
Molecular consequence: missense variant.
Genome position (GRCh38, 1-based): chr4:78,513,538, T>C. VCF-style: chr4-78513538-T-C. GRCh37 (hg19) VCF-style: chr4-79434692-T-C.
Other names: short protein forms L3387P.
Identifiers: ClinVar variation 703588 (VCV000703588.21), dbSNP rs137982616, ClinGen allele CA2978871.